The following is an entry in ClinVar:

ClinVar aggregate classification (germline): Uncertain significance (0 of 4 stars; one submission).

Conditions:
CACNA1C-related disorder. Also called: CACNA1C-related disorders; CACNA1C-related condition. Identifiers: MedGen CN381092, MONDO:0700321.

Submission:

PreventionGenetics, part of Exact Sciences
Classification: Uncertain significance for CACNA1C-related condition. Last evaluated: 2024-05-12. Review status: no assertion criteria provided. Collection method: clinical testing. Allele origin: germline.
Comment: The CACNA1C c.5683C>G variant is predicted to result in the amino acid substitution p.Arg1895Gly. To our knowledge, this variant has not been reported in the literature or in a large population database, indicating this variant is rare. Of note, a different substitution at the same codon, defined as c.5684G>A (p.Arg1895Gln), was reported in an individual who could have a risk of developing cardiac ion channelopathy in a genome sequencing study of self-declared healthy individuals (Additional file 5 of Bajaj et al. 2022. PubMed ID: 35932045). At this time, the clinical significance of the c.5683C>G (p.Arg1895Gly) variant is uncertain due to the absence of conclusive functional and genetic evidence.

NM_000719.7(CACNA1C):c.5683C>G (p.Arg1895Gly)

Genes: CACNA1C (calcium voltage-gated channel subunit alpha1 C; plus strand), CACNA1C-AS1 (CACNA1C antisense RNA 1; minus strand). Cytogenetic location: 12p13.33.
Variant type: single nucleotide variant.
Coding change: c.5683C>G on transcript NM_000719.7 (MANE Select); coding-DNA position 5683, C replaced by G.
Protein change: p.Arg1895Gly; replaces arginine 1895 with glycine.
Molecular consequence: missense variant.
Genome position (GRCh38, 1-based): chr12:2,686,168, C>G. VCF-style: chr12-2686168-C-G. GRCh37 (hg19) VCF-style: chr12-2795334-C-G.
Other names: c.5740C>G, p.Arg1914Gly (NM_001129833.2, NM_001129834.2, NM_001129835.2); c.5734C>G, p.Arg1912Gly (NM_001129836.2); c.5707C>G, p.Arg1903Gly (NM_001129837.2, NM_001129838.2); c.5701C>G, p.Arg1901Gly (NM_001129839.2); c.5683C>G, p.Arg1895Gly (NM_001129840.2, NM_001129841.2, NM_001129842.2 and 2 more transcripts); c.5674C>G, p.Arg1892Gly (NM_001129844.2); c.5650C>G, p.Arg1884Gly (NM_001129846.2); c.5788C>G, p.Arg1930Gly (NM_001167624.3, NM_001129830.3); and 6 more; short protein forms R1884G, R1892G, R1895G, R1901G, R1903G, R1912G, R1914G, R1915G.
Identifiers: ClinVar variation 3347227 (VCV003347227.1).